The following is an entry in ClinVar:

ClinVar aggregate classification (germline): Benign (0 of 4 stars; one submission).

Conditions:
SRRM2-related disorder. Also called: SRRM2-related condition.

Allele frequency attached by ClinVar (database versions not stated): gnomAD exomes 0.15559; ExAC 0.16208; ESP Exome Variant Server 0.16813; gnomAD 0.16834; TOPMed 0.17156; 1000 Genomes Project 0.17492; 1000 Genomes Project 30x 0.17505.
gnomAD v4.1: 253,953 of 1,613,982 alleles (16%); highest among the groups gnomAD compares: East Asian, 28%; 20,999 homozygotes.

Submission:

PreventionGenetics, part of Exact Sciences
Classification: Benign for SRRM2-related condition. Last evaluated: 2021-10-19. Review status: no assertion criteria provided. Collection method: clinical testing. Allele origin: germline.
Comment: This variant is classified as benign based on ACMG/AMP sequence variant interpretation guidelines (Richards et al. 2015 PMID: 25741868, with internal and published modifications).

NM_016333.4(SRRM2):c.2118C>T (p.Ser706=)

Gene: SRRM2 (serine/arginine repetitive matrix 2; plus strand). Cytogenetic location: 16p13.3.
Variant type: single nucleotide variant.
Coding change: c.2118C>T on transcript NM_016333.4 (MANE Select); coding-DNA position 2118, C replaced by T.
Protein change: p.Ser706=; no amino-acid change (serine 706 retained).
Molecular consequence: synonymous variant.
Genome position (GRCh38, 1-based): chr16:2,762,646, C>T. VCF-style: chr16-2762646-C-T. GRCh37 (hg19) VCF-style: chr16-2812647-C-T.
Identifiers: ClinVar variation 3060322 (VCV003060322.2), dbSNP rs2240142, ClinGen allele CA7847496.